The following is an entry in ClinVar:

ClinVar aggregate classification (germline): Uncertain significance (1 of 4 stars; one submission).

Conditions:
Hereditary cancer-predisposing syndrome. Also called: Neoplastic Syndromes, Hereditary; Tumor predisposition; Hereditary Cancer Syndrome; Hereditary neoplastic syndrome. Identifiers: Orphanet 140162, MedGen C0027672, MeSH D009386, MONDO:0015356.

gnomAD v4.1: 4 of 1,614,206 alleles (0.00025%); highest among the groups gnomAD compares: Non-Finnish European, 0.00025%; no homozygotes.

Submission:

Ambry Genetics
Classification: Uncertain significance for Hereditary cancer-predisposing syndrome. Last evaluated: 2025-10-02. Review status: criteria provided, single submitter. Criteria: Ambry Variant Classification Scheme 2023. Collection method: clinical testing. Allele origin: germline.
Comment: The p.T415R variant (also known as c.1244C>G), located in coding exon 11 of the EGFR gene, results from a C to G substitution at nucleotide position 1244. The threonine at codon 415 is replaced by arginine, an amino acid with similar properties. This amino acid position is conserved. In addition, this alteration is predicted to be deleterious by in silico analysis. Based on the available evidence, the clinical significance of this variant remains unclear.

NM_005228.5(EGFR):c.1244C>G (p.Thr415Arg)

Gene: EGFR (epidermal growth factor receptor; plus strand). Cytogenetic location: 7p11.2.
Variant type: single nucleotide variant.
Coding change: c.1244C>G on transcript NM_005228.5 (MANE Select); coding-DNA position 1244, C replaced by G.
Protein change: p.Thr415Arg; replaces threonine 415 with arginine.
Molecular consequence: missense variant.
Genome position (GRCh38, 1-based): chr7:55,157,699, C>G. VCF-style: chr7-55157699-C-G. GRCh37 (hg19) VCF-style: chr7-55225392-C-G.
Other names: c.1109C>G, p.Thr370Arg (NM_001346897.2, NM_001346899.2); c.1244C>G, p.Thr415Arg (NM_001346898.2, NM_201282.2, NM_201284.2); c.1085C>G, p.Thr362Arg (NM_001346900.2); c.443C>G, p.Thr148Arg (NM_001346941.2); short protein forms T148R, T362R, T370R, T415R.
Identifiers: ClinVar variation 4638685 (VCV004638685.1).